The following is an entry in ClinVar:

NM_001377540.1(SLMAP):c.723A>G (p.Ile241Met)

Gene: SLMAP (sarcolemma associated protein; plus strand). Cytogenetic location: 3p14.3.
Variant type: single nucleotide variant.
Coding change: c.723A>G on transcript NM_001377540.1 (MANE Select); coding-DNA position 723, A replaced by G.
Protein change: p.Ile241Met; replaces isoleucine 241 with methionine.
Molecular consequence: missense variant. On other transcripts: non-coding transcript variant (1).
Genome position (GRCh38, 1-based): chr3:57,860,734, A>G. VCF-style: chr3-57860734-A-G. GRCh37 (hg19) VCF-style: chr3-57846461-A-G.
Other names: c.723A>G (NM_007159.2); c.723A>G, p.Ile241Met (NM_001304420.3, NM_001304421.2, NM_001377538.1 and 17 more transcripts); short protein forms I241M.
Identifiers: ClinVar variation 1430880 (VCV001430880.7), dbSNP rs760182153, ClinGen allele CA2466913.
Genomic context (GRCh38, chr3:57,860,734, plus strand): 5'-TAATTATAAATATCTTTTATTGTAGAATCAAACAGAAGATAGTTTACGAAAGGAACTTAT[A>G]GCATTACAAGAGGATAAACATAACTATGAGACAACAGCCAAAGAGTCCCTGAGGCGGGTT-3'
Protein context (NP_001364469.1, residues 231-251): QTEDSLRKEL[Ile241Met]ALQEDKHNYE

ClinVar aggregate classification (germline): Uncertain significance. Review status: criteria provided, multiple submitters, no conflicts (2 of 4 stars). 2 submissions from 2 submitters: Uncertain significance (2). Last evaluated 2024-04-25.

Conditions:
Brugada syndrome. Also called: Sudden Unexplained Death Syndrome; Sudden Unexplained Nocturnal Death Syndrome (SUNDS); Sudden unexplained nocturnal death syndrome; Sudden unexpected nocturnal death syndrome. Identifiers: Orphanet 130, MedGen C1142166, MONDO:0015263.

Allele frequency attached by ClinVar (database versions not stated): TOPMed below 0.00001; gnomAD 0.00001; gnomAD exomes 0.00001 and 0.00003; ExAC 0.00002.
gnomAD v4.1: 44 of 1,589,466 alleles (0.0028%); highest among the groups gnomAD compares: Non-Finnish European, 0.0036%; no homozygotes.

Submissions (2):

Ambry Genetics
Classification: Uncertain significance. Last evaluated: 2024-04-25. Review status: criteria provided, single submitter. Criteria: Ambry Variant Classification Scheme 2023. Collection method: clinical testing. Allele origin: germline.
Comment: The p.I241M variant (also known as c.723A>G), located in coding exon 8 of the SLMAP gene, results from an A to G substitution at nucleotide position 723. The isoleucine at codon 241 is replaced by methionine, an amino acid with highly similar properties. This amino acid position is conserved. In addition, this alteration is predicted to be tolerated by in silico analysis. Based on the available evidence, the clinical significance of this variant remains unclear.

Labcorp Genetics (formerly Invitae), Labcorp
Classification: Uncertain significance for Brugada syndrome. Last evaluated: 2021-08-20. Review status: criteria provided, single submitter. Criteria: Invitae Variant Classification Sherloc (09022015). Collection method: clinical testing. Allele origin: germline.
Comment: Algorithms developed to predict the effect of missense changes on protein structure and function are either unavailable or do not agree on the potential impact of this missense change (SIFT: "Deleterious"; PolyPhen-2: "Benign"; Align-GVGD: "Class C0"). In summary, the available evidence is currently insufficient to determine the role of this variant in disease. Therefore, it has been classified as a Variant of Uncertain Significance. This variant has not been reported in the literature in individuals affected with SLMAP-related conditions. This variant is present in population databases (rs760182153, ExAC 0.003%). This sequence change replaces isoleucine with methionine at codon 241 of the SLMAP protein (p.Ile241Met). The isoleucine residue is weakly conserved and there is a small physicochemical difference between isoleucine and methionine.